The following is an entry in ClinVar:

NM_003059.3(SLC22A4):c.1471A>G (p.Ile491Val)

Genes: MIR3936HG (MIR3936 host gene; minus strand), SLC22A4 (solute carrier family 22 member 4; plus strand). Cytogenetic location: 5q31.1.
Variant type: single nucleotide variant.
Coding change: c.1471A>G on transcript NM_003059.3 (MANE Select); coding-DNA position 1471, A replaced by G.
Protein change: p.Ile491Val; replaces isoleucine 491 with valine.
Molecular consequence: missense variant.
Genome position (GRCh38, 1-based): chr5:132,340,591, A>G. VCF-style: chr5-132340591-A-G. GRCh37 (hg19) VCF-style: chr5-131676284-A-G.
Other names: short protein forms I491V.
Identifiers: ClinVar variation 2629254 (VCV002629254.1), dbSNP rs375225322, ClinGen allele CA3403700.

ClinVar aggregate classification (germline): Uncertain significance (1 of 4 stars; one submission).

Conditions:
SLC22A4-related disorder. Also called: SLC22A4-related condition.

Allele frequency attached by ClinVar (database versions not stated): ExAC 0.00001; gnomAD exomes 0.00001; gnomAD 0.00002; TOPMed 0.00002; ESP Exome Variant Server 0.00008.
gnomAD v4.1: 14 of 1,613,922 alleles (0.00087%); highest among the groups gnomAD compares: African/African-American, 0.012%; no homozygotes.

Submission:

PreventionGenetics, part of Exact Sciences
Classification: Uncertain significance for SLC22A4-related condition. Last evaluated: 2023-06-30. Review status: criteria provided, single submitter. Criteria: ACMG Guidelines, 2015. Collection method: clinical testing. Allele origin: germline.
Comment: The SLC22A4 c.1471A>G variant is predicted to result in the amino acid substitution p.Ile491Val. To our knowledge, this variant has not been reported in the literature. This variant is reported in 0.012% of alleles in individuals of African descent in gnomAD. At this time, the clinical significance of this variant is uncertain due to the absence of conclusive functional and genetic evidence.